The following is an entry in ClinVar:

NM_001367624.2(ZNF469):c.9765G>C (p.Pro3255=)

Gene: ZNF469 (zinc finger protein 469; plus strand). Cytogenetic location: 16q24.2.
Variant type: single nucleotide variant.
Coding change: c.9765G>C on transcript NM_001367624.2 (MANE Select); coding-DNA position 9765, G replaced by C.
Protein change: p.Pro3255=; no amino-acid change (proline 3255 retained).
Molecular consequence: synonymous variant.
Genome position (GRCh38, 1-based): chr16:88,437,235, G>C. VCF-style: chr16-88437235-G-C. GRCh37 (hg19) VCF-style: chr16-88503643-G-C.
Other names: NM_001127464.1:c.9681G>C; p.Pro3255=.
Identifiers: ClinVar variation 1767781 (VCV001767781.6), dbSNP rs1389292564, ClinGen allele CA497358905.

ClinVar aggregate classification (germline): Likely benign. Review status: criteria provided, multiple submitters, no conflicts (2 of 4 stars). 3 submissions from 3 submitters: Likely benign (3). Last evaluated 2025-02-03.

Conditions:
Cardiovascular phenotype. Identifiers: MedGen CN230736.

Allele frequency attached by ClinVar (database versions not stated): gnomAD 0.00001.
gnomAD v4.1: 1 of 1,549,070 alleles (0.000065%); highest among the groups gnomAD compares: African/African-American, 0.0014%; no homozygotes.

Submissions (3):

Mayo Clinic Laboratories, Mayo Clinic
Classification: Likely benign. Last evaluated: 2025-02-03. Review status: criteria provided, single submitter. Criteria: ACMG Guidelines, 2015. Collection method: clinical testing. Allele origin: germline. Observed: 1 variant allele.
Comment: BP4, BP7

Labcorp Genetics (formerly Invitae), Labcorp
Classification: Likely benign. Last evaluated: 2023-06-17. Review status: criteria provided, single submitter. Criteria: Invitae Variant Classification Sherloc (09022015). Collection method: clinical testing. Allele origin: germline.

Ambry Genetics
Classification: Likely benign for Cardiovascular phenotype. Last evaluated: 2022-06-27. Review status: criteria provided, single submitter. Criteria: Ambry Variant Classification Scheme 2023. Collection method: clinical testing. Allele origin: germline.